The following is an entry in ClinVar:

ClinVar aggregate classification (germline): Uncertain significance (1 of 4 stars; one submission).

Submission:

GeneDx
Classification: Uncertain significance. Last evaluated: 2023-07-28. Review status: criteria provided, single submitter. Criteria: GeneDx Variant Classification Process June 2021. Collection method: clinical testing. Allele origin: germline. Affected: yes.
Comment: Normal stop codon changed to a leucine codon, leading to the addition of 26 amino acids at the C-terminus; Not observed in large population cohorts (gnomAD); Has not been previously published as pathogenic or benign to our knowledge

NM_006421.5(ARFGEF1):c.5549G>T (p.Ter1850Leu)

Gene: ARFGEF1 (ARF guanine nucleotide exchange factor 1; minus strand). Cytogenetic location: 8q13.2.
Variant type: single nucleotide variant.
Coding change: c.5549G>T on transcript NM_006421.5 (MANE Select); coding-DNA position 5549, G replaced by T.
Protein change: p.Ter1850Leu.
Molecular consequence: stop lost. On other transcripts: non-coding transcript variant (1), intron variant (2).
Genome position (GRCh38, 1-based): chr8:67,198,935, C>A on the plus strand (G>T on the coding strand, the complement: ARFGEF1 is on the minus strand). VCF-style: chr8-67198935-C-A. GRCh37 (hg19) VCF-style: chr8-68111170-C-A.
Other names: c.5549G>T, p.Ter1850Leu (NM_001413184.1); c.5531G>T, p.Ter1844Leu (NM_001413185.1, NM_001413189.1); c.4949G>T, p.Ter1650Leu (NM_001413188.1, NM_001413197.1); c.5543G>T, p.Ter1848Leu (NM_001413190.1); c.5453G>T, p.Ter1818Leu (NM_001413191.1); c.5435G>T, p.Ter1812Leu (NM_001413192.1); c.4124G>T, p.Ter1375Leu (NM_001413196.1); c.5367+1461G>T (NM_001413186.1); and 1 more.
Identifiers: ClinVar variation 2574377 (VCV002574377.1), dbSNP rs1169137153, ClinGen allele CA371205598.